The following is an entry in ClinVar:

NM_000548.5(TSC2):c.4653A>C (p.Gly1551=)

Gene: TSC2 (TSC complex subunit 2; plus strand). Cytogenetic location: 16p13.3.
Variant type: single nucleotide variant.
Coding change: c.4653A>C on transcript NM_000548.5 (MANE Select); coding-DNA position 4653, A replaced by C.
Protein change: p.Gly1551=; no amino-acid change (glycine 1551 retained).
Molecular consequence: synonymous variant. On other transcripts: non-coding transcript variant (5).
Genome position (GRCh38, 1-based): chr16:2,085,313, A>C. VCF-style: chr16-2085313-A-C. GRCh37 (hg19) VCF-style: chr16-2135314-A-C.
Other names: c.4452A>C, p.Gly1484= (NM_001077183.3); c.4584A>C, p.Gly1528= (NM_001114382.3); c.4344A>C, p.Gly1448= (NM_001318827.2); c.4308A>C, p.Gly1436= (NM_001318829.2); c.3921A>C, p.Gly1307= (NM_001318831.2); c.4485A>C, p.Gly1495= (NM_001318832.2); c.4455A>C, p.Gly1485= (NM_001363528.2); c.4521A>C, p.Gly1507= (NM_001370404.1); and 26 more.
Identifiers: ClinVar variation 4071304 (VCV004071304.1).

ClinVar aggregate classification (germline): Benign (1 of 4 stars; one submission).

Conditions:
Tuberous sclerosis 2 (TSC2). Identifiers: Orphanet 805, MedGen C1860707, MONDO:0013199, OMIM 613254.

Submission:

Myriad Genetics, Inc.
Classification: Benign for Tuberous sclerosis 2. Last evaluated: 2025-06-04. Review status: criteria provided, single submitter. Criteria: Myriad Autosomal Dominant, Autosomal Recessive and X-Linked Classification Criteria (2023). Collection method: clinical testing. Allele origin: unknown.
Comment: This variant is considered benign. This variant is a silent/synonymous amino acid change and it is not expected to impact splicing.